The following is an entry in ClinVar:

NM_003906.5(MCM3AP):c.3412G>C (p.Val1138Leu)

Gene: MCM3AP (minichromosome maintenance complex component 3 associated protein; minus strand). Cytogenetic location: 21q22.3.
Variant type: single nucleotide variant.
Coding change: c.3412G>C on transcript NM_003906.5 (MANE Select); coding-DNA position 3412, G replaced by C.
Protein change: p.Val1138Leu; replaces valine 1138 with leucine.
Molecular consequence: missense variant.
Genome position (GRCh38, 1-based): chr21:46,261,335, C>G on the plus strand (G>C on the coding strand, the complement: MCM3AP is on the minus strand). VCF-style: chr21-46261335-C-G. GRCh37 (hg19) VCF-style: chr21-47681249-C-G.
Other names: short protein forms V1138L.
Identifiers: ClinVar variation 1462540 (VCV001462540.3), dbSNP rs748339971, ClinGen allele CA10076502.
Genomic context (GRCh38, chr21:46,261,335, plus strand): 5'-CTTACCTTTCCTCTTCAGCCCGCTGCCTCTCCTGCTCCCTTCGCTCTCTTTCCTTAGACA[C>G]TTCTTCAGCTGCAATGTGCCTCAAAATGCCCGTGGTTGCAGCTGTTAACAAATCCTCCAT-3'
Protein context (NP_003897.2, residues 1128-1148): GILRHIAAEE[Val1138Leu]SKERERREQE

ClinVar aggregate classification (germline): Uncertain significance (1 of 4 stars; one submission).

gnomAD v4.1: 43 of 1,614,082 alleles (0.0027%); highest among the groups gnomAD compares: Non-Finnish European, 0.0034%; no homozygotes.

Submission:

Labcorp Genetics (formerly Invitae), Labcorp
Classification: Uncertain significance. Last evaluated: 2022-03-11. Review status: criteria provided, single submitter. Criteria: Invitae Variant Classification Sherloc (09022015). Collection method: clinical testing. Allele origin: germline.
Comment: This sequence change replaces valine, which is neutral and non-polar, with leucine, which is neutral and non-polar, at codon 1138 of the MCM3AP protein (p.Val1138Leu). This variant is present in population databases (rs748339971, gnomAD 0.006%). This variant has not been reported in the literature in individuals affected with MCM3AP-related conditions. Algorithms developed to predict the effect of missense changes on protein structure and function (SIFT, PolyPhen-2, Align-GVGD) all suggest that this variant is likely to be tolerated. In summary, the available evidence is currently insufficient to determine the role of this variant in disease. Therefore, it has been classified as a Variant of Uncertain Significance.